The following is an entry in ClinVar:

ClinVar aggregate classification (germline): Likely pathogenic (1 of 4 stars; one submission).

Conditions:
Charcot-Marie-Tooth disease type 2. Also called: Charcot-Marie-Tooth type 2. Identifiers: Orphanet 64746, MedGen C0270914, MONDO:0018993.

Submission:

Labcorp Genetics (formerly Invitae), Labcorp
Classification: Likely pathogenic for Charcot-Marie-Tooth disease type 2. Last evaluated: 2022-11-29. Review status: criteria provided, single submitter. Criteria: Invitae Variant Classification Sherloc (09022015). Collection method: clinical testing. Allele origin: germline.
Comment: ClinVar contains an entry for this variant (Variation ID: 1512461). Advanced modeling of protein sequence and biophysical properties (such as structural, functional, and spatial information, amino acid conservation, physicochemical variation, residue mobility, and thermodynamic stability) performed at Invitae indicates that this missense variant is expected to disrupt MFN2 protein function. This variant disrupts the p.His165 amino acid residue in MFN2. Other variant(s) that disrupt this residue have been determined to be pathogenic (PMID: 27862672; Invitae). This suggests that this residue is clinically significant, and that variants that disrupt this residue are likely to be disease-causing. In summary, the currently available evidence indicates that the variant is pathogenic, but additional data are needed to prove that conclusively. Therefore, this variant has been classified as Likely Pathogenic. This variant has not been reported in the literature in individuals affected with MFN2-related conditions. This variant is not present in population databases (gnomAD no frequency). This sequence change replaces histidine, which is basic and polar, with glutamine, which is neutral and polar, at codon 165 of the MFN2 protein (p.His165Gln).

Literature cited by the submitters: PubMed 27862672.

NM_014874.4(MFN2):c.495T>A (p.His165Gln)

Gene: MFN2 (mitofusin 2; plus strand). Cytogenetic location: 1p36.22.
Variant type: single nucleotide variant.
Coding change: c.495T>A on transcript NM_014874.4 (MANE Select); coding-DNA position 495, T replaced by A.
Protein change: p.His165Gln; replaces histidine 165 with glutamine.
Molecular consequence: missense variant.
Genome position (GRCh38, 1-based): chr1:11,997,317, T>A. VCF-style: chr1-11997317-T-A. GRCh37 (hg19) VCF-style: chr1-12057374-T-A.
Other names: c.495T>A, p.His165Gln (NM_001127660.2); short protein forms H165Q.
Identifiers: ClinVar variation 1512461 (VCV001512461.8), dbSNP rs1569834720, ClinGen allele CA338436262.